The following is an entry in ClinVar:

ClinVar aggregate classification (germline): Pathogenic (1 of 4 stars; one submission).

Conditions:
Primary ciliary dyskinesia 3. Identifiers: Orphanet 244, MedGen C1837618, MONDO:0012085, OMIM 608644.

Submission:

Myriad Genetics, Inc.
Classification: Pathogenic for Primary ciliary dyskinesia 3. Last evaluated: 2024-05-14. Review status: criteria provided, single submitter. Criteria: Myriad Autosomal Dominant, Autosomal Recessive and X-Linked Classification Criteria (2023). Collection method: clinical testing. Allele origin: unknown.
Comment: NM_001369.2(DNAH5):c.4837C>T(Q1613*) is expected to be pathogenic in the context of primary ciliary dyskinesia, DNAH5-related. This variant is predicted to lead to an abnormal or absent protein product due to the creation of a premature termination codon in DNAH5, a gene where loss-of-function variants are known to be pathogenic. Please note: this variant was assessed in the context of healthy population screening.

NM_001369.3(DNAH5):c.4837C>T (p.Gln1613Ter)

Genes: DNAH5 (dynein axonemal heavy chain 5; minus strand), LOC126807318 (MED14-independent group 3 enhancer GRCh37_chr5:13858976-13860175; plus strand). Cytogenetic location: 5p15.2.
Variant type: single nucleotide variant.
Coding change: c.4837C>T on transcript NM_001369.3 (MANE Select); coding-DNA position 4837, C replaced by T.
Protein change: p.Gln1613Ter; replaces glutamine 1613 with a stop codon.
Molecular consequence: nonsense.
Genome position (GRCh38, 1-based): chr5:13,859,565, G>A on the plus strand (C>T on the coding strand, the complement: DNAH5 is on the minus strand). VCF-style: chr5-13859565-G-A. GRCh37 (hg19) VCF-style: chr5-13859674-G-A.
Other names: short protein forms Q1613*.
Identifiers: ClinVar variation 5010775 (VCV005010775.1).